The following is an entry in ClinVar:

NM_001382347.1(MYO5A):c.4028A>G (p.Lys1343Arg)

Gene: MYO5A (myosin VA; minus strand). Cytogenetic location: 15q21.2.
Variant type: single nucleotide variant.
Coding change: c.4028A>G on transcript NM_001382347.1 (MANE Select); coding-DNA position 4028, A replaced by G.
Protein change: p.Lys1343Arg; replaces lysine 1343 with arginine.
Molecular consequence: missense variant. On other transcripts: intron variant (1).
Genome position (GRCh38, 1-based): chr15:52,343,129, T>C on the plus strand (A>G on the coding strand, the complement: MYO5A is on the minus strand). VCF-style: chr15-52343129-T-C. GRCh37 (hg19) VCF-style: chr15-52635326-T-C.
Other names: c.4028A>G, p.Lys1343Arg (NM_000259.3); c.4100A>G, p.Lys1367Arg (NM_001382348.1, NM_001382349.1); c.3960-2735A>G (NM_001142495.2); short protein forms K1343R, K1367R.
Identifiers: ClinVar variation 1313469 (VCV001313469.2), dbSNP rs747707431, ClinGen allele CA7568233.

ClinVar aggregate classification (germline): Uncertain significance (1 of 4 stars; one submission).

Allele frequency attached by ClinVar (database versions not stated): gnomAD exomes below 0.00001 and 0.00002; TOPMed below 0.00001; ExAC 0.00001; gnomAD 0.00001.
gnomAD v4.1: 9 of 1,612,674 alleles (0.00056%); highest among the groups gnomAD compares: Middle Eastern, 0.016%; no homozygotes.

Submission:

GeneDx
Classification: Uncertain significance. Last evaluated: 2020-10-19. Review status: criteria provided, single submitter. Criteria: GeneDx Variant Classification Process June 2021. Collection method: clinical testing. Allele origin: germline. Affected: yes.
Comment: In silico analysis supports that this missense variant does not alter protein structure/function; Has not been previously published as pathogenic or benign to our knowledge